The following is an entry in ClinVar:

NM_000372.5(TYR):c.194T>C (p.Leu65Pro)

Gene: TYR (tyrosinase; plus strand). Cytogenetic location: 11q14.3.
Variant type: single nucleotide variant.
Coding change: c.194T>C on transcript NM_000372.5 (MANE Select); coding-DNA position 194, T replaced by C.
Protein change: p.Leu65Pro; replaces leucine 65 with proline.
Molecular consequence: missense variant.
Genome position (GRCh38, 1-based): chr11:89,178,147, T>C. VCF-style: chr11-89178147-T-C. GRCh37 (hg19) VCF-style: chr11-88911315-T-C.
Other names: short protein forms L65P.
Identifiers: ClinVar variation 306444 (VCV000306444.7), dbSNP rs886048745, ClinGen allele CA10639651.

ClinVar aggregate classification (germline): Uncertain significance. Review status: criteria provided, multiple submitters, no conflicts (2 of 4 stars). 2 submissions from 2 submitters: Uncertain significance (2). Last evaluated 2022-08-16.

Conditions:
Oculocutaneous albinism. Identifiers: Orphanet 55, MedGen C0078918, MONDO:0018910.

Allele frequency attached by ClinVar (database versions not stated): gnomAD exomes below 0.00001 and 0.00001.

Submissions (2):

Labcorp Genetics (formerly Invitae), Labcorp
Classification: Uncertain significance. Last evaluated: 2022-08-16. Review status: criteria provided, single submitter. Criteria: Invitae Variant Classification Sherloc (09022015). Collection method: clinical testing. Allele origin: germline.
Comment: This sequence change replaces leucine, which is neutral and non-polar, with proline, which is neutral and non-polar, at codon 65 of the TYR protein (p.Leu65Pro). This variant is present in population databases (no rsID available, gnomAD 0.003%). This variant has not been reported in the literature in individuals affected with TYR-related conditions. ClinVar contains an entry for this variant (Variation ID: 306444). Advanced modeling of protein sequence and biophysical properties (such as structural, functional, and spatial information, amino acid conservation, physicochemical variation, residue mobility, and thermodynamic stability) performed at Invitae indicates that this missense variant is not expected to disrupt TYR protein function. In summary, the available evidence is currently insufficient to determine the role of this variant in disease. Therefore, it has been classified as a Variant of Uncertain Significance.

Illumina Laboratory Services, Illumina
Classification: Uncertain significance for Oculocutaneous albinism. Last evaluated: 2018-01-12. Review status: criteria provided, single submitter. Criteria: ICSL Variant Classification Criteria 13 December 2019. Collection method: clinical testing. Allele origin: germline.